The following is an entry in ClinVar:

NM_015072.5(TTLL5):c.1311G>A (p.Ala437=)

Gene: TTLL5 (tubulin tyrosine ligase like 5; plus strand). Cytogenetic location: 14q24.3.
Variant type: single nucleotide variant.
Coding change: c.1311G>A on transcript NM_015072.5 (MANE Select); coding-DNA position 1311, G replaced by A.
Protein change: p.Ala437=; no amino-acid change (alanine 437 retained).
Molecular consequence: synonymous variant.
Genome position (GRCh38, 1-based): chr14:75,745,124, G>A. VCF-style: chr14-75745124-G-A. GRCh37 (hg19) VCF-style: chr14-76211467-G-A.
Other names: c.1311G>A (NM_015072.4).
Identifiers: ClinVar variation 1934856 (VCV001934856.6), dbSNP rs372519578, ClinGen allele CA7279347.

ClinVar aggregate classification (germline): Likely benign. Review status: criteria provided, multiple submitters, no conflicts (2 of 4 stars). 2 submissions from 2 submitters: Likely benign (2). Last evaluated 2025-08-04.

Conditions:
TTLL5-related disorder. Also called: TTLL5-related condition.

Allele frequency attached by ClinVar (database versions not stated): gnomAD 0.00001; ExAC 0.00002; gnomAD exomes 0.00003; TOPMed 0.00004; ESP Exome Variant Server 0.00008.
gnomAD v4.1: 57 of 1,613,694 alleles (0.0035%); highest among the groups gnomAD compares: South Asian, 0.0055%; no homozygotes.

Submissions (2):

PreventionGenetics, part of Exact Sciences
Classification: Likely benign for TTLL5-related condition. Last evaluated: 2025-08-04. Review status: criteria provided, single submitter. Criteria: ACMG Guidelines, 2015. Collection method: clinical testing. Allele origin: germline.
Comment: This variant is classified as likely benign based on ACMG/AMP sequence variant interpretation guidelines (Richards et al. 2015 PMID: 25741868, with internal and published modifications).

Labcorp Genetics (formerly Invitae), Labcorp
Classification: Likely benign. Last evaluated: 2024-11-05. Review status: criteria provided, single submitter. Criteria: Invitae Variant Classification Sherloc (09022015). Collection method: clinical testing. Allele origin: germline.